The following is an entry in ClinVar:

ClinVar aggregate classification (germline): Conflicting classifications of pathogenicity. Review status: criteria provided, conflicting classifications (1 of 4 stars). 2 submissions from 2 submitters: Uncertain significance (1); Likely benign (1). Last evaluated 2025-01-23.

Conditions:
Cone-rod dystrophy 13 (CORD13). Identifiers: Orphanet 1872, MedGen C2750720, MONDO:0011987, OMIM 608194.
Leber congenital amaurosis 6 (LCA6). Identifiers: Orphanet 65, MedGen C1854260, MONDO:0013446, OMIM 613826.

Allele frequency attached by ClinVar (database versions not stated): gnomAD 0.00003 and 0.00005; gnomAD exomes 0.00005 and 0.00016; TOPMed 0.00005; ExAC 0.00017; 1000 Genomes Project 30x 0.00062.
gnomAD v4.1: 82 of 1,582,904 alleles (0.0052%); highest among the groups gnomAD compares: East Asian, 0.13%; 1 homozygote.

Submissions (2):

Labcorp Genetics (formerly Invitae), Labcorp
Classification: Uncertain significance for Leber congenital amaurosis 6; Cone-rod dystrophy 13. Last evaluated: 2025-01-23. Review status: criteria provided, single submitter. Criteria: Invitae Variant Classification Sherloc (09022015). Collection method: clinical testing. Allele origin: germline.
Comment: This sequence change replaces histidine, which is basic and polar, with leucine, which is neutral and non-polar, at codon 1057 of the RPGRIP1 protein (p.His1057Leu). This variant is present in population databases (rs201521970, gnomAD 0.2%). This missense change has been observed in individual(s) with Leber congenital amaurosis (PMID: 18682808). ClinVar contains an entry for this variant (Variation ID: 1409048). Invitae Evidence Modeling of protein sequence and biophysical properties (such as structural, functional, and spatial information, amino acid conservation, physicochemical variation, residue mobility, and thermodynamic stability) indicates that this missense variant is not expected to disrupt RPGRIP1 protein function with a negative predictive value of 80%. In summary, the available evidence is currently insufficient to determine the role of this variant in disease. Therefore, it has been classified as a Variant of Uncertain Significance.

Blueprint Genetics
Classification: Likely benign. Last evaluated: 2024-11-18. Review status: criteria provided, single submitter. Criteria: ACMG Guidelines, 2015. Collection method: clinical testing. Allele origin: germline.

Literature cited by the submitters: PubMed 18682808 (cited by Labcorp Genetics (formerly Invitae), Labcorp).

NM_020366.4(RPGRIP1):c.3170A>T (p.His1057Leu)

Gene: RPGRIP1 (RPGR interacting protein 1; plus strand). Cytogenetic location: 14q11.2.
Variant type: single nucleotide variant.
Coding change: c.3170A>T on transcript NM_020366.4 (MANE Select); coding-DNA position 3170, A replaced by T.
Protein change: p.His1057Leu; replaces histidine 1057 with leucine.
Molecular consequence: missense variant.
Genome position (GRCh38, 1-based): chr14:21,330,319, A>T. VCF-style: chr14-21330319-A-T. GRCh37 (hg19) VCF-style: chr14-21798478-A-T.
Other names: c.1148A>T, p.His383Leu (NM_001377523.1); c.2096A>T, p.His699Leu (NM_001377948.1); c.1256A>T, p.His419Leu (NM_001377949.1); c.1145A>T, p.His382Leu (NM_001377950.1); c.650A>T, p.His217Leu (NM_001377951.1); short protein forms H382L, H383L, H419L, H699L, H1057L, H217L.
Identifiers: ClinVar variation 1409048 (VCV001409048.5), dbSNP rs201521970, ClinGen allele CA7089438.